The following is an entry in ClinVar:

NM_182961.4(SYNE1):c.8088C>T (p.Asn2696=)

Gene: SYNE1 (spectrin repeat containing nuclear envelope protein 1; minus strand). Cytogenetic location: 6q25.2.
Variant type: single nucleotide variant.
Coding change: c.8088C>T on transcript NM_182961.4 (MANE Select); coding-DNA position 8088, C replaced by T.
Protein change: p.Asn2696=; no amino-acid change (asparagine 2696 retained).
Molecular consequence: synonymous variant.
Genome position (GRCh38, 1-based): chr6:152,390,369, G>A on the plus strand (C>T on the coding strand, the complement: SYNE1 is on the minus strand). VCF-style: chr6-152390369-G-A. GRCh37 (hg19) VCF-style: chr6-152711504-G-A.
Other names: c.8109C>T, p.Asn2703= (NM_033071.5).
Identifiers: ClinVar variation 5041538 (VCV005041538.1).
Genomic context (GRCh38, chr6:152,390,369, plus strand): 5'-GTCAGCCCACACTTCTTTAAGGGTCTCTAACTGAGTCTGAATCACCCTCTGACCTTCTTT[G>A]TTGCTACTTCTCAAGGCCTGTTCCCCCTTGCCAATGGCCATATTCAACTTAACTTCCCCT-3'
Protein context (NP_892006.3, residues 2686-2706): GKGEQALRSS[Asn2696=]KEGQRVIQTQ

ClinVar aggregate classification (germline): Uncertain significance (1 of 4 stars; one submission).

Submission:

CeGaT Center for Human Genetics Tuebingen
Classification: Uncertain significance. Last evaluated: 2026-09-01. Review status: criteria provided, single submitter. Criteria: CeGaT Center For Human Genetics Tuebingen Variant Classification Criteria Version 2. Collection method: clinical testing. Allele origin: germline. Affected: yes. Observed: 1 variant allele.
Comment: SYNE1: PM2:Supporting, BP4